The following is an entry in ClinVar:

NM_004655.4(AXIN2):c.1967G>C (p.Arg656Pro)

Gene: AXIN2 (axin 2; minus strand). Cytogenetic location: 17q24.1.
Variant type: single nucleotide variant.
Coding change: c.1967G>C on transcript NM_004655.4 (MANE Select); coding-DNA position 1967, G replaced by C.
Protein change: p.Arg656Pro; replaces arginine 656 with proline.
Molecular consequence: missense variant.
Genome position (GRCh38, 1-based): chr17:65,536,494, C>G on the plus strand (G>C on the coding strand, the complement: AXIN2 is on the minus strand). VCF-style: chr17-65536494-C-G. GRCh37 (hg19) VCF-style: chr17-63532612-C-G.
Other names: c.1772G>C, p.Arg591Pro (NM_001363813.1); short protein forms R656P, R591P.
Identifiers: ClinVar variation 2471473 (VCV002471473.2), dbSNP rs1555577180, ClinGen allele CA400676241.

ClinVar aggregate classification (germline): Uncertain significance (1 of 4 stars; one submission).

Conditions:
Hereditary cancer-predisposing syndrome. Also called: Neoplastic Syndromes, Hereditary; Hereditary neoplastic syndrome; Tumor predisposition; Hereditary Cancer Syndrome. Identifiers: Orphanet 140162, MedGen C0027672, MeSH D009386, MONDO:0015356.

Submission:

Ambry Genetics
Classification: Uncertain significance for Hereditary cancer-predisposing syndrome. Last evaluated: 2023-01-12. Review status: criteria provided, single submitter. Criteria: Ambry Variant Classification Scheme 2023. Collection method: clinical testing. Allele origin: germline.
Comment: The p.R656P variant (also known as c.1967G>C), located in coding exon 7 of the AXIN2 gene, results from a G to C substitution at nucleotide position 1967. The arginine at codon 656 is replaced by proline, an amino acid with dissimilar properties. This amino acid position is conserved. In addition, the in silico prediction for this alteration is inconclusive. Since supporting evidence is limited at this time, the clinical significance of this alteration remains unclear.